The following is an entry in ClinVar:

NM_000052.7(ATP7A):c.139A>C (p.Asn47His)

Gene: ATP7A (ATPase copper transporting alpha; plus strand). Cytogenetic location: Xq21.1.
Variant type: single nucleotide variant.
Coding change: c.139A>C on transcript NM_000052.7 (MANE Select); coding-DNA position 139, A replaced by C.
Protein change: p.Asn47His; replaces asparagine 47 with histidine.
Molecular consequence: missense variant.
Genome position (GRCh38, 1-based): chrX:77,988,260, A>C. VCF-style: chrX-77988260-A-C. GRCh37 (hg19) VCF-style: chrX-77243756-A-C.
Other names: p.Asn47His; c.139A>C, p.Asn47His (NM_001282224.2); short protein forms N47H.
Identifiers: ClinVar variation 4542489 (VCV004542489.1).

ClinVar aggregate classification (germline): Uncertain significance (1 of 4 stars; one submission).

Submission:

Mayo Clinic Laboratories, Mayo Clinic
Classification: Uncertain significance. Last evaluated: 2025-12-10. Review status: criteria provided, single submitter. Criteria: ACMG Guidelines, 2015. Collection method: clinical testing. Allele origin: germline. Observed: 1 variant allele.
Comment: PM2_supporting